The following is an entry in ClinVar:

NM_015512.5(DNAH1):c.3131C>A (p.Pro1044His)

Gene: DNAH1 (dynein axonemal heavy chain 1; plus strand). Cytogenetic location: 3p21.1.
Variant type: single nucleotide variant.
Coding change: c.3131C>A on transcript NM_015512.5 (MANE Select); coding-DNA position 3131, C replaced by A.
Protein change: p.Pro1044His; replaces proline 1044 with histidine.
Molecular consequence: missense variant.
Genome position (GRCh38, 1-based): chr3:52,353,206, C>A. VCF-style: chr3-52353206-C-A. GRCh37 (hg19) VCF-style: chr3-52387222-C-A.
Other names: short protein forms P1044H.
Identifiers: ClinVar variation 1363500 (VCV001363500.8), dbSNP rs748968242, ClinGen allele CA353111586.
Genomic context (GRCh38, chr3:52,353,206, plus strand): 5'-TGGACCTTTGGACCACAGCGTCTGACTGGCTGCGCTGGTCGGAGAGCTGGATGAATGACC[C>A]CCTCTCTGCCATCGATGCTGAGCAGCTGGAGAAGAACGTGGTTGAAGCCTTCAAGACCAT-3'
Protein context (NP_056327.4, residues 1034-1054): LRWSESWMND[Pro1044His]LSAIDAEQLE

ClinVar aggregate classification (germline): Uncertain significance (1 of 4 stars; one submission).

Conditions:
Spermatogenic failure 18. Identifiers: MedGen C4539783, MONDO:0054615, OMIM 617576.
Ciliary dyskinesia, primary, 37 (CILD37). Also called: CILIARY DYSKINESIA, PRIMARY, 37, WITH OR WITHOUT SITUS INVERSUS. Identifiers: MedGen C4539798, MONDO:0033204, OMIM 617577.

Submission:

Labcorp Genetics (formerly Invitae), Labcorp
Classification: Uncertain significance for Ciliary dyskinesia, primary, 37; Spermatogenic failure 18. Last evaluated: 2022-06-13. Review status: criteria provided, single submitter. Criteria: Invitae Variant Classification Sherloc (09022015). Collection method: clinical testing. Allele origin: germline.
Comment: This variant has not been reported in the literature in individuals affected with DNAH1-related conditions. In summary, the available evidence is currently insufficient to determine the role of this variant in disease. Therefore, it has been classified as a Variant of Uncertain Significance. Algorithms developed to predict the effect of missense changes on protein structure and function (SIFT, PolyPhen-2, Align-GVGD) all suggest that this variant is likely to be disruptive. This variant is not present in population databases (gnomAD no frequency). This sequence change replaces proline, which is neutral and non-polar, with histidine, which is basic and polar, at codon 1044 of the DNAH1 protein (p.Pro1044His).